The following is an entry in ClinVar:

NM_001018050.4(POLR3H):c.393C>T (p.Tyr131=)

Gene: POLR3H (RNA polymerase III subunit H; minus strand). Cytogenetic location: 22q13.2.
Variant type: single nucleotide variant.
Coding change: c.393C>T on transcript NM_001018050.4 (MANE Select); coding-DNA position 393, C replaced by T.
Protein change: p.Tyr131=; no amino-acid change (tyrosine 131 retained).
Molecular consequence: synonymous variant.
Genome position (GRCh38, 1-based): chr22:41,530,855, G>A on the plus strand (C>T on the coding strand, the complement: POLR3H is on the minus strand). VCF-style: chr22-41530855-G-A. GRCh37 (hg19) VCF-style: chr22-41926859-G-A.
Other names: c.306C>T, p.Tyr102= (NM_001018052.4); c.393C>T, p.Tyr131= (NM_001282884.2, NM_001282885.2, NM_138338.5).
Identifiers: ClinVar variation 3250644 (VCV003250644.18), dbSNP rs140901049.

ClinVar aggregate classification (germline): Likely benign (1 of 4 stars; one submission).

Allele frequency attached by ClinVar (database versions not stated): 1000 Genomes Project 30x 0.00078; 1000 Genomes Project 0.00080; ExAC 0.00109; gnomAD 0.00143; TOPMed 0.00152; ESP Exome Variant Server 0.00177.
gnomAD v4.1: 3,813 of 1,613,912 alleles (0.24%); highest among the groups gnomAD compares: Non-Finnish European, 0.29%; 4 homozygotes.

Submission:

CeGaT Center for Human Genetics Tuebingen
Classification: Likely benign. Last evaluated: 2026-06-01. Review status: criteria provided, single submitter. Criteria: CeGaT Center For Human Genetics Tuebingen Variant Classification Criteria Version 2. Collection method: clinical testing. Allele origin: germline. Affected: yes. Observed: 2 variant alleles.
Comment: POLR3H: BP4, BP7